The following is an entry in ClinVar:

ClinVar aggregate classification (germline): Uncertain significance. Review status: criteria provided, multiple submitters, no conflicts (2 of 4 stars). 2 submissions from 2 submitters: Uncertain significance (2). Last evaluated 2025-08-05.

Conditions:
DHCR7-related disorder. Also called: DHCR7-related condition.
Inborn genetic diseases. Identifiers: MedGen C0950123, MeSH D030342.

gnomAD v4.1: 13 of 1,613,222 alleles (0.00081%); highest among the groups gnomAD compares: Non-Finnish European, 0.0011%; no homozygotes.

Submissions (2):

Ambry Genetics
Classification: Uncertain significance for Inborn genetic diseases. Last evaluated: 2025-08-05. Review status: criteria provided, single submitter. Criteria: Ambry Variant Classification Scheme 2023. Collection method: clinical testing. Allele origin: germline.

PreventionGenetics, part of Exact Sciences
Classification: Uncertain significance for DHCR7-related condition. Last evaluated: 2025-05-02. Review status: criteria provided, single submitter. Criteria: ACMG Guidelines, 2015. Collection method: clinical testing. Allele origin: germline.
Comment: The DHCR7 c.1108A>T variant is predicted to result in the amino acid substitution p.Ile370Phe. To our knowledge, this variant has not been reported in the literature or in a large population database (gnomAD), indicating this variant is rare. At this time, the clinical significance of this variant is uncertain due to the absence of conclusive functional and genetic evidence.

NM_001360.3(DHCR7):c.1108A>T (p.Ile370Phe)

Gene: DHCR7 (7-dehydrocholesterol reductase; minus strand). Cytogenetic location: 11q13.4.
Variant type: single nucleotide variant.
Coding change: c.1108A>T on transcript NM_001360.3 (MANE Select); coding-DNA position 1108, A replaced by T.
Protein change: p.Ile370Phe; replaces isoleucine 370 with phenylalanine.
Molecular consequence: missense variant. On other transcripts: synonymous variant (2), 3 prime UTR variant (1), intron variant (3).
Genome position (GRCh38, 1-based): chr11:71,435,695, T>A on the plus strand (A>T on the coding strand, the complement: DHCR7 is on the minus strand). VCF-style: chr11-71435695-T-A. GRCh37 (hg19) VCF-style: chr11-71146741-T-A.
Other names: c.1108A>T, p.Ile370Phe (NM_001163817.2, NM_001425109.1, NM_001425110.1 and 1 more transcripts); c.1159A>T, p.Ile387Phe (NM_001425107.1); c.1144A>T, p.Ile382Phe (NM_001425108.1); c.1242A>T, p.Ser414= (NM_001425112.1); c.1048A>T, p.Ile350Phe (NM_001425113.1); c.1012A>T, p.Ile338Phe (NM_001425114.1); c.1146A>T, p.Ser382= (NM_001425116.1); c.934A>T, p.Ile312Phe (NM_001425117.1); and 4 more; short protein forms I338F, I382F, I387F, I350F, I370F, I312F.
Identifiers: ClinVar variation 4239989 (VCV004239989.2).
Genomic context (GRCh38, chr11:71,435,695, plus strand): 5'-GCCTCTGCCCATCGGCGGATGTGTAGGAGCACTCGATGACCTTGGGCTTCCTGCCCCAGA[T>A]GAGGCAGCGCCCATCCGTGCGGCGGAACAGGTCCTTCTGGTGGTTGGCCACCCGGAAGAT-3'
Protein context (NP_001351.2, residues 360-380): LFRRTDGRCL[Ile370Phe]WGRKPKVIEC